The following is an entry in ClinVar:

ClinVar aggregate classification (germline): Likely benign (0 of 4 stars; one submission).

Conditions:
PLXNA4-related disorder. Also called: PLXNA4-related condition.

Allele frequency attached by ClinVar (database versions not stated): TOPMed 0.00001; ExAC 0.00002; gnomAD exomes 0.00004; gnomAD 0.00005.
gnomAD v4.1: 65 of 1,614,032 alleles (0.004%); highest among the groups gnomAD compares: South Asian, 0.055%; 1 homozygote.

Submission:

PreventionGenetics, part of Exact Sciences
Classification: Likely benign for PLXNA4-related condition. Last evaluated: 2021-06-01. Review status: no assertion criteria provided. Collection method: clinical testing. Allele origin: germline.
Comment: This variant is classified as likely benign based on ACMG/AMP sequence variant interpretation guidelines (Richards et al. 2015 PMID: 25741868, with internal and published modifications).

NM_020911.2(PLXNA4):c.693G>A (p.Ser231=)

Gene: PLXNA4 (plexin A4; minus strand). Cytogenetic location: 7q32.3.
Variant type: single nucleotide variant.
Coding change: c.693G>A on transcript NM_020911.2 (MANE Select); coding-DNA position 693, G replaced by A.
Protein change: p.Ser231=; no amino-acid change (serine 231 retained).
Molecular consequence: synonymous variant.
Genome position (GRCh38, 1-based): chr7:132,508,001, C>T on the plus strand (G>A on the coding strand, the complement: PLXNA4 is on the minus strand). VCF-style: chr7-132508001-C-T. GRCh37 (hg19) VCF-style: chr7-132192760-C-T.
Other names: c.693G>A, p.Ser231= (NM_001105543.2, NM_001393897.1, NM_181775.4).
Identifiers: ClinVar variation 3046407 (VCV003046407.2), dbSNP rs267601294, ClinGen allele CA4490456.
Genomic context (GRCh38, chr7:132,508,001, plus strand): 5'-GCCACTGCTAAAACCATAGACATAGTAGATATCAAAGTCAGGGATGATGGTGAAGGTGTC[C>T]GAAGGGATCTTAATCATCGAGGCCACGAACTCATCATGGAAGACGTACGCGAACATGCCA-3'
Protein context (NP_065962.1, residues 221-241): EFVASMIKIP[Ser231=]DTFTIIPDFD